The following is an entry in ClinVar:

NM_000313.4(PROS1):c.253T>G (p.Tyr85Asp)

Gene: PROS1 (protein S; minus strand). Cytogenetic location: 3q11.1.
Variant type: single nucleotide variant.
Coding change: c.253T>G on transcript NM_000313.4 (MANE Select); coding-DNA position 253, T replaced by G.
Protein change: p.Tyr85Asp; replaces tyrosine 85 with aspartic acid.
Molecular consequence: missense variant.
Genome position (GRCh38, 1-based): chr3:93,924,246, A>C on the plus strand (T>G on the coding strand, the complement: PROS1 is on the minus strand). VCF-style: chr3-93924246-A-C. GRCh37 (hg19) VCF-style: chr3-93643090-A-C.
Other names: c.349T>G, p.Tyr117Asp (NM_001314077.2); short protein forms Y85D, Y117D.
Identifiers: ClinVar variation 2955562 (VCV002955562.3), dbSNP rs2471789475, ClinGen allele CA353674256.
Genomic context (GRCh38, chr3:93,924,246, plus strand): 5'-ATCTAAGTTCCCTTCCATTTCTAAGATTATATAATTGAGATGTTTTGAACTTACCTAAGT[A>C]TTTTGGATAAAAATAATCCTAGAAAGAAGAAAAAGAAAACATATCTTAGCAAACCTAAAT-3'
Protein context (NP_000304.2, residues 75-95): DPETDYFYPK[Tyr85Asp]LVCLRSFQTG

ClinVar aggregate classification (germline): Uncertain significance (1 of 4 stars; one submission).

Conditions:
Thrombophilia due to protein S deficiency, autosomal recessive (THPH6). Identifiers: Orphanet 743, MedGen C3281092, MONDO:0013791, OMIM 614514. Disease mechanism: loss of function.

Submission:

Labcorp Genetics (formerly Invitae), Labcorp
Classification: Uncertain significance for Thrombophilia due to protein S deficiency, autosomal recessive. Last evaluated: 2023-11-12. Review status: criteria provided, single submitter. Criteria: Invitae Variant Classification Sherloc (09022015). Collection method: clinical testing. Allele origin: germline.
Comment: This sequence change replaces tyrosine, which is neutral and polar, with aspartic acid, which is acidic and polar, at codon 85 of the PROS1 protein (p.Tyr85Asp). This variant is not present in population databases (gnomAD no frequency). This variant has not been reported in the literature in individuals affected with PROS1-related conditions. Advanced modeling of protein sequence and biophysical properties (such as structural, functional, and spatial information, amino acid conservation, physicochemical variation, residue mobility, and thermodynamic stability) performed at Invitae indicates that this missense variant is expected to disrupt PROS1 protein function with a positive predictive value of 80%. In summary, the available evidence is currently insufficient to determine the role of this variant in disease. Therefore, it has been classified as a Variant of Uncertain Significance.